The following is an entry in ClinVar:

ClinVar aggregate classification (germline): Likely benign (1 of 4 stars; one submission).

Submission:

CeGaT Center for Human Genetics Tuebingen
Classification: Likely benign. Last evaluated: 2022-07-01. Review status: criteria provided, single submitter. Criteria: CeGaT Center For Human Genetics Tuebingen Variant Classification Criteria Version 2. Collection method: clinical testing. Allele origin: germline. Affected: yes. Observed: 1 variant allele.
Comment: MAGEL2: BP4, BP7

NM_019066.5(MAGEL2):c.1347C>T (p.Pro449=)

Gene: MAGEL2 (MAGE family member L2; minus strand). Cytogenetic location: 15q11.2.
Variant type: single nucleotide variant.
Coding change: c.1347C>T on transcript NM_019066.5 (MANE Select); coding-DNA position 1347, C replaced by T.
Protein change: p.Pro449=; no amino-acid change (proline 449 retained).
Molecular consequence: synonymous variant.
Genome position (GRCh38, 1-based): chr15:23,646,396, G>A on the plus strand (C>T on the coding strand, the complement: MAGEL2 is on the minus strand). VCF-style: chr15-23646396-G-A. GRCh37 (hg19) VCF-style: chr15-23891543-G-A.
Identifiers: ClinVar variation 2644990 (VCV002644990.24), dbSNP rs376561425, ClinGen allele CA711339510.
Genomic context (GRCh38, chr15:23,646,396, plus strand): 5'-TGGGGCCTGGCGGATCACAGCGGGGGCCTGGCGGATCACGGGTGGGGCCTGGCGGATCAC[G>A]GGTGGGGCCTGGCGGATCACCGGTGGGGCCTGGCGGATCAGCGGTGGGGCCTGTCGCACC-3'
Protein context (NP_061939.3, residues 439-459): QAPPVIRQAP[Pro449=]VIRQAPPVIR